The following is an entry in ClinVar:

NM_000337.6(SGCD):c.*363C>T

Gene: SGCD (sarcoglycan delta; plus strand). Cytogenetic location: 5q33.3.
Variant type: single nucleotide variant.
Coding change: c.*363C>T on transcript NM_000337.6 (MANE Select); 363 bases downstream of the stop codon, C replaced by T.
Molecular consequence: 3 prime UTR variant.
Genome position (GRCh38, 1-based): chr5:156,759,753, C>T. VCF-style: chr5-156759753-C-T. GRCh37 (hg19) VCF-style: chr5-156186764-C-T.
Other names: c.*363C>T (NM_001128209.2).
Identifiers: ClinVar variation 352342 (VCV000352342.6), dbSNP rs6886827, ClinGen allele CA10621020.
Genomic context (GRCh38, chr5:156,759,753, plus strand): 5'-TCTAAACACACATCCGTCCCAACATTCCCCAGACCATTCAGAATCACACAGCGTATTAAA[C>T]ACTGACAGAATCTTCATCTAGATATTCGAGTAGCAGCATATCTTCTCTTTTAGTGTCATT-3'

ClinVar aggregate classification (germline): Benign (1 of 4 stars; one submission).

Conditions:
Qualitative or quantitative defects of delta-sarcoglycan. Identifiers: Orphanet 207070, MedGen C5680806, MONDO:0016144.

Allele frequency attached by ClinVar (database versions not stated): gnomAD 0.03518; TOPMed 0.03872; 1000 Genomes Project 0.04373; 1000 Genomes Project 30x 0.04794.

Submission:

Illumina Laboratory Services, Illumina
Classification: Benign for Qualitative or quantitative defects of delta-sarcoglycan. Last evaluated: 2018-01-12. Review status: criteria provided, single submitter. Criteria: ICSL Variant Classification Criteria 13 December 2019. Collection method: clinical testing. Allele origin: germline.
Comment: This variant was observed in the ICSL laboratory as part of a predisposition screen in an ostensibly healthy population. It had not been previously curated by ICSL or reported in the Human Gene Mutation Database (HGMD: prior to June 1st, 2018), and was therefore a candidate for classification through an automated scoring system. Utilizing variant allele frequency, disease prevalence and penetrance estimates, and inheritance mode, an automated score was calculated to assess if this variant is too frequent to cause the disease. Based on the score and internal cut-off values, a variant classified as benign is not then subjected to further curation. The score for this variant resulted in a classification of benign for this disease.